The following is an entry in ClinVar:

NM_198578.4(LRRK2):c.4936A>G (p.Met1646Val)

Gene: LRRK2 (leucine rich repeat kinase 2; plus strand). Cytogenetic location: 12q12.
Variant type: single nucleotide variant.
Coding change: c.4936A>G on transcript NM_198578.4 (MANE Select); coding-DNA position 4936, A replaced by G.
Protein change: p.Met1646Val; replaces methionine 1646 with valine.
Molecular consequence: missense variant.
Genome position (GRCh38, 1-based): chr12:40,320,096, A>G. VCF-style: chr12-40320096-A-G. GRCh37 (hg19) VCF-style: chr12-40713898-A-G.
Other names: short protein forms M1646V.
Identifiers: ClinVar variation 1744231 (VCV001744231.5), dbSNP rs769870318, ClinGen allele CA6514325.

ClinVar aggregate classification (germline): Uncertain significance. Review status: criteria provided, single submitter (1 of 4 stars). 2 submissions from 2 submitters: Uncertain significance (1). 1 of the submissions does not count toward it. Last evaluated 2024-07-11.

Conditions:
Inborn genetic diseases. Identifiers: MedGen C0950123, MeSH D030342.
LRRK2-related disorder. Also called: LRRK2-related condition.

Allele frequency attached by ClinVar (database versions not stated): gnomAD exomes below 0.00001; ExAC 0.00001; gnomAD 0.00001.

Submissions (2):

Ambry Genetics
Classification: Uncertain significance for Inborn genetic diseases. Last evaluated: 2024-07-11. Review status: criteria provided, single submitter. Criteria: Ambry Variant Classification Scheme 2023. Collection method: clinical testing. Allele origin: germline.
Comment: The p.M1646V variant (also known as c.4936A>G), located in coding exon 34 of the LRRK2 gene, results from an A to G substitution at nucleotide position 4936. The methionine at codon 1646 is replaced by valine, an amino acid with highly similar properties. This amino acid position is conserved. In addition, the in silico prediction for this alteration is inconclusive. Since supporting evidence is limited at this time, the clinical significance of this alteration remains unclear.

PreventionGenetics, part of Exact Sciences
Classification: Uncertain significance for LRRK2-related condition. Last evaluated: 2023-10-27. Review status: no assertion criteria provided. Collection method: clinical testing. Allele origin: germline. Not counted in ClinVar's aggregate classification.
Comment: The LRRK2 c.4936A>G variant is predicted to result in the amino acid substitution p.Met1646Val. To our knowledge, this variant has not been reported in the literature or in a large population database, indicating this variant is rare. At this time, the clinical significance of this variant is uncertain due to the absence of conclusive functional and genetic evidence.